The following is an entry in ClinVar:

NM_001048174.2(MUTYH):c.1357T>A (p.Phe453Ile)

Gene: MUTYH (mutY DNA glycosylase; minus strand). Cytogenetic location: 1p34.1.
Variant type: single nucleotide variant.
Coding change: c.1357T>A on transcript NM_001048174.2 (MANE Select); coding-DNA position 1357, T replaced by A.
Protein change: p.Phe453Ile; replaces phenylalanine 453 with isoleucine.
Molecular consequence: missense variant. On other transcripts: non-coding transcript variant (2).
Genome position (GRCh38, 1-based): chr1:45,331,217, A>T on the plus strand (T>A on the coding strand, the complement: MUTYH is on the minus strand). VCF-style: chr1-45331217-A-T. GRCh37 (hg19) VCF-style: chr1-45796889-A-T.
Other names: c.1357T>A, p.Phe453Ile (NM_001048171.2, NM_001048173.2, NM_001293195.2 and 6 more transcripts); c.1360T>A, p.Phe454Ile (NM_001048172.2, NM_001407071.1, NM_001407086.1 and 1 more transcripts); c.1441T>A, p.Phe481Ile (NM_001128425.2); c.1402T>A, p.Phe468Ile (NM_001293190.2); c.1390T>A, p.Phe464Ile (NM_001293191.2, NM_001407069.1, NM_001407077.1); c.1081T>A, p.Phe361Ile (NM_001293192.2, NM_001293196.2, NM_001407091.1); c.1012T>A, p.Phe338Ile (NM_001350650.2, NM_001350651.2, NM_001407082.1); c.1399T>A, p.Phe467Ile (NM_001407085.1, NM_001407083.1); and 5 more; short protein forms F454I, F478I, F439I, F460I, F468I, F338I, F464I, F467I.
Identifiers: ClinVar variation 1772717 (VCV001772717.6), dbSNP rs1644769032, ClinGen allele CA340132578.

ClinVar aggregate classification (germline): Uncertain significance. Review status: criteria provided, multiple submitters, no conflicts (2 of 4 stars). 2 submissions from 2 submitters: Uncertain significance (2). Last evaluated 2025-09-20.

Conditions:
Familial adenomatous polyposis 2. Also called: MYH-associated polyposis; Adenomas, multiple colorectal; COLORECTAL ADENOMATOUS POLYPOSIS, AUTOSOMAL RECESSIVE; ADENOMAS, MULTIPLE COLORECTAL, AUTOSOMAL RECESSIVE; MUTYH Polyposis; FAP type 2. Identifiers: Orphanet 220460, Orphanet 247798, MedGen C3272841, MONDO:0012041, OMIM 608456.
Hereditary cancer-predisposing syndrome. Also called: Tumor predisposition; Neoplastic Syndromes, Hereditary; Hereditary Cancer Syndrome; Hereditary neoplastic syndrome. Identifiers: Orphanet 140162, MedGen C0027672, MeSH D009386, MONDO:0015356.

Submissions (2):

Ambry Genetics
Classification: Uncertain significance for Hereditary cancer-predisposing syndrome. Last evaluated: 2025-09-20. Review status: criteria provided, single submitter. Criteria: Ambry Variant Classification Scheme 2023. Collection method: clinical testing. Allele origin: germline.
Comment: The p.F481I variant (also known as c.1441T>A), located in coding exon 14 of the MUTYH gene, results from a T to A substitution at nucleotide position 1441. The phenylalanine at codon 481 is replaced by isoleucine, an amino acid with highly similar properties. This amino acid position is conserved. In addition, the in silico prediction for this alteration is inconclusive. Since supporting evidence is limited at this time, the clinical significance of this alteration remains unclear.

Labcorp Genetics (formerly Invitae), Labcorp
Classification: Uncertain significance for Familial adenomatous polyposis 2. Last evaluated: 2024-03-09. Review status: criteria provided, single submitter. Criteria: Invitae Variant Classification Sherloc (09022015). Collection method: clinical testing. Allele origin: germline.
Comment: This sequence change replaces phenylalanine, which is neutral and non-polar, with isoleucine, which is neutral and non-polar, at codon 481 of the MUTYH protein (p.Phe481Ile). This variant is not present in population databases (gnomAD no frequency). This variant has not been reported in the literature in individuals affected with MUTYH-related conditions. ClinVar contains an entry for this variant (Variation ID: 1772717). An algorithm developed to predict the effect of missense changes on protein structure and function (PolyPhen-2) suggests that this variant is likely to be tolerated. In summary, the available evidence is currently insufficient to determine the role of this variant in disease. Therefore, it has been classified as a Variant of Uncertain Significance.